The following is an entry in ClinVar:

ClinVar aggregate classification (germline): Uncertain significance (1 of 4 stars; one submission).

Submission:

Labcorp Genetics (formerly Invitae), Labcorp
Classification: Uncertain significance. Last evaluated: 2025-03-06. Review status: criteria provided, single submitter. Criteria: Invitae Variant Classification Sherloc (09022015). Collection method: clinical testing. Allele origin: germline.
Comment: This sequence change creates a premature translational stop signal (p.Ile80Asnfs*4) in the KCNH1 gene. It is expected to result in an absent or disrupted protein product. However, the current clinical and genetic evidence is not sufficient to establish whether loss-of-function variants in KCNH1 cause disease. This variant is not present in population databases (gnomAD no frequency). This variant has not been reported in the literature in individuals affected with KCNH1-related conditions. In summary, the available evidence is currently insufficient to determine the role of this variant in disease. Therefore, it has been classified as a Variant of Uncertain Significance.

NC_000001.11:g.211103570_211103633GT[2]CTTTATCAGTCAGCTCCCCATACATAAAACTGCAAACAACCAAAGAACTCAAGTTAGATTGGTGTCTTTATCAGTCAGCTCCCCATACATAAAACTGCAAACAACCAAAGAACTCAAGTTAGATT[1]

Gene: KCNH1 (potassium voltage-gated channel subfamily H member 1; minus strand). Cytogenetic location: 1q32.2.
Variant type: Microsatellite.
Genome position: GRCh38: chr1:211,103,570-211,103,633. GRCh37 (hg19), VCF-style position (the base before the change): chr1:211,276,911.
Identifiers: ClinVar variation 4711343 (VCV004711343.1).